The following is an entry in ClinVar:

ClinVar aggregate classification (germline): Pathogenic (1 of 4 stars; one submission).

Conditions:
Osteogenesis imperfecta type I (OI1). Also called: OSTEOGENESIS IMPERFECTA TARDA; OSTEOGENESIS IMPERFECTA WITH BLUE SCLERAE; Osteogenesis imperfecta type 1; Lobstein's Disease; Classic Non-deforming Osteogenesis Imperfecta with Blue Sclerae; OI, TYPE I. Identifiers: Orphanet 216796, Orphanet 666, MedGen C0023931, MONDO:0008146, OMIM 166200. Disease mechanism: loss of function.

Submission:

Victorian Clinical Genetics Services, Murdoch Childrens Research Institute
Classification: Pathogenic for Osteogenesis imperfecta type I. Last evaluated: 2022-06-24. Review status: criteria provided, single submitter. Criteria: ACMG Guidelines, 2015. Collection method: clinical testing. Allele origin: germline. Inheritance: Autosomal dominant inheritance.
Comment: Based on the classification scheme VCGS_Germline_v1.3.4, this variant is classified as Pathogenic. Following criteria are met: 0103 - Dominant negative and loss of function are known mechanisms of disease in this gene and are associated with Osteogenesis imperfect types I-IV (OI), and other conditions (OMIM). Variants resulting in a truncated protein are known to have a loss of function effect on protein and are usually associate with a milder phenotype. Missense variants affecting the G-X-Y of a triple helix motif, have a dominant negative effect and are commonly associated with a more severe phenotype (PMID:27509835, PMID:12362985). (I) 0107 - This gene is associated with autosomal dominant disease. (I) 0115 - Variants in this gene are known to have variable expressivity. Interfamilial variability is apparent among individuals with the same OI type and intrafamilial variability is apparent among individuals with the same causative variant (Genereviews). (I) 0201 - Variant is predicted to cause nonsense-mediated decay (NMD) and loss of protein (premature termination codon is located at least 54 nucleotides upstream of the final exon-exon junction). (SP) 0251 - This variant is heterozygous. (I) 0301 - Variant is absent from gnomAD (both v2 and v3). (SP) 0701 - Other variants predicted to result in NMD comparable to the one identified in this case have very strong previous evidence for pathogenicity (DECIPHER). (SP) 0807 - This variant has no previous evidence of pathogenicity. (I) 0905 - No published segregation evidence has been identified for this variant. (I) 1007 - No published functional evidence has been identified for this variant. (I) 1208 - Inheritance information for this variant is not currently available in this individual. (I) Legend: (SP) - Supporting pathogenic, (I) - Information, (SB) - Supporting benign

Literature cited by the submitters: PubMed 12362985; PubMed 27509835.

NM_000088.4(COL1A1):c.452dup (p.Pro152fs)

Gene: COL1A1 (collagen type I alpha 1 chain; minus strand). Cytogenetic location: 17q21.33.
Variant type: Duplication.
Coding change: c.452dup on transcript NM_000088.4 (MANE Select); coding-DNA position 452, one base duplicated (G; older notation c.452dupG).
Protein change: p.Pro152fs; shifts the reading frame from proline 152.
Molecular consequence: frameshift variant.
Genome position (GRCh38, 1-based): chr17:50,199,245, C duplicated on the plus strand (G on the coding strand, the reverse complement: COL1A1 is on the minus strand); the first of 2 consecutive C bases (chr17:50,199,245-50,199,246); duplicating either gives the same sequence. VCF-style (leftmost placement, unchanged base first): chr17-50199244-T-TC. GRCh37 (hg19) VCF-style: chr17-48276605-T-TC.
Other names: short protein forms P152fs.
Identifiers: ClinVar variation 1699328 (VCV001699328.3), dbSNP rs2144590955, ClinGen allele CA2573050781.